The following is an entry in ClinVar:

NC_000022.10:g.(?_20039968)_(20043556_?)del

Gene: TANGO2 (transport and golgi organization 2 homolog; plus strand). Cytogenetic location: 22q11.21.
Variant type: Deletion.
Identifiers: ClinVar variation 2427422 (VCV002427422.4).

ClinVar aggregate classification (germline): Pathogenic (1 of 4 stars; one submission).

Submission:

Labcorp Genetics (formerly Invitae), Labcorp
Classification: Pathogenic. Last evaluated: 2023-06-09. Review status: criteria provided, single submitter. Criteria: Invitae Variant Classification Sherloc (09022015). Collection method: clinical testing. Allele origin: germline.
Comment: For these reasons, this variant has been classified as Pathogenic. A similar copy number variant has been observed in individuals with clinical features of TANGO2-related conditions (PMID: 26805781, 31276219; Invitae). This variant is a gross deletion of the genomic region encompassing exon(s) 4-6 of the TANGO2 gene. This variant would be expected to be in-frame, preserving the integrity of the reading frame.

Literature cited by the submitters: PubMed 26805781; PubMed 31276219.